The following is an entry in ClinVar:

NM_133261.3(GIPC3):c.891G>A (p.Val297=)

Gene: GIPC3 (GIPC PDZ domain containing family member 3; plus strand). Cytogenetic location: 19p13.3.
Variant type: single nucleotide variant.
Coding change: c.891G>A on transcript NM_133261.3 (MANE Select); coding-DNA position 891, G replaced by A.
Protein change: p.Val297=; no amino-acid change (valine 297 retained).
Molecular consequence: synonymous variant. On other transcripts: missense variant (1).
Genome position (GRCh38, 1-based): chr19:3,590,142, G>A. VCF-style: chr19-3590142-G-A. GRCh37 (hg19) VCF-style: chr19-3590140-G-A.
Other names: c.891G>A (NM_133261.2); c.904G>A, p.Gly302Ser (NM_001411144.1); short protein forms G302S.
Identifiers: ClinVar variation 2974676 (VCV002974676.4), dbSNP rs1419316711, ClinGen allele CA504968044.

ClinVar aggregate classification (germline): Conflicting classifications of pathogenicity. Review status: criteria provided, conflicting classifications (1 of 4 stars). 2 submissions from 2 submitters: Uncertain significance (1); Likely benign (1). Last evaluated 2024-11-18.

Allele frequency attached by ClinVar (database versions not stated): gnomAD exomes below 0.00001.
gnomAD v4.1: 7 of 1,610,704 alleles (0.00043%); highest among the groups gnomAD compares: African/African-American, 0.0053%; no homozygotes.

Submissions (2):

Labcorp Genetics (formerly Invitae), Labcorp
Classification: Likely benign. Last evaluated: 2024-11-18. Review status: criteria provided, single submitter. Criteria: Invitae Variant Classification Sherloc (09022015). Collection method: clinical testing. Allele origin: germline.

GeneDx
Classification: Uncertain significance. Last evaluated: 2024-10-24. Review status: criteria provided, single submitter. Criteria: GeneDx Variant Classification Process June 2021. Collection method: clinical testing. Allele origin: germline. Affected: yes.
Comment: Not observed at significant frequency in large population cohorts (gnomAD); In silico analysis indicates that this variant does not alter splicing; Has not been previously published as pathogenic or benign to our knowledge